The following is an entry in ClinVar:

GRCh37/hg19 Xp21.1(chrX:32506756-33943923)x2

Gene: DMD (dystrophin; minus strand). Cytogenetic location: Xp21.1.
Variant type: copy number gain.
Change: copy number 2 of chrX:32,506,756-33,943,923 (1.44 Mb, GRCh37 coordinates, 1-based), cytogenetic band Xp21.1.
Identifiers: ClinVar variation 4277353 (VCV004277353.1).

ClinVar aggregate classification (germline): Uncertain significance (1 of 4 stars; one submission).

Submission:

Hunan Provincial Maternal and Child Health Care Hospital
Classification: Uncertain significance. Last evaluated: 2024-07-01. Review status: criteria provided, single submitter. Criteria: ACMG/ClinGen CNV Guidelines, 2019. Collection method: clinical testing. Allele origin: maternal. Inheritance: X-linked recessive inheritance.
Comment: This is a copy-number gain (GRCh37: g.32506756_33943923dup; ~1.44 Mb) overlapping DMD. Because partial/intragenic duplications can be pathogenic or benign depending on structure and no conclusive case evidence exists for this exact interval, classification is VUS per ACMG/ClinGen.